The following is an entry in ClinVar:

ClinVar aggregate classification (germline): Uncertain significance (1 of 4 stars; one submission).

Submission:

Women's Health and Genetics/Laboratory Corporation of America, LabCorp
Classification: Uncertain significance. Last evaluated: 2024-08-21. Review status: criteria provided, single submitter. Criteria: LabCorp Variant Classification Summary - May 2015. Collection method: clinical testing. Allele origin: germline.
Comment: Variant summary: ACTN2 c.2548C>G (p.Leu850Val) results in a conservative amino acid change located in the EF-hand, Ca insensitive domain (IPR014837) of the encoded protein sequence. Four of five in-silico tools predict a damaging effect of the variant on protein function. The variant was absent in 251142 control chromosomes. The available data on variant occurrences in the general population are insufficient to allow any conclusion about variant significance. To our knowledge, no occurrence of c.2548C>G in individuals affected with Cardiomyopathy and no experimental evidence demonstrating its impact on protein function have been reported. No submitters have cited clinical-significance assessments for this variant to ClinVar. Based on the evidence outlined above, the variant was classified as uncertain significance.

NM_001103.4(ACTN2):c.2548C>G (p.Leu850Val)

Gene: ACTN2 (actinin alpha 2; plus strand). Cytogenetic location: 1q43.
Variant type: single nucleotide variant.
Coding change: c.2548C>G on transcript NM_001103.4 (MANE Select); coding-DNA position 2548, C replaced by G.
Protein change: p.Leu850Val; replaces leucine 850 with valine.
Molecular consequence: missense variant. On other transcripts: non-coding transcript variant (1).
Genome position (GRCh38, 1-based): chr1:236,762,482, C>G. VCF-style: chr1-236762482-C-G. GRCh37 (hg19) VCF-style: chr1-236925782-C-G.
Other names: c.2548C>G, p.Leu850Val (NM_001278343.2); short protein forms L850V.
Identifiers: ClinVar variation 3366681 (VCV003366681.1).